The following is an entry in ClinVar:

NM_032043.3(BRIP1):c.823_824del (p.Ile275fs)

Gene: BRIP1 (BRCA1 interacting DNA helicase 1; minus strand). Cytogenetic location: 17q23.2.
Variant type: Deletion.
Coding change: c.823_824del on transcript NM_032043.3 (MANE Select); coding-DNA positions 823 to 824, 2 bases deleted (AT; older notation c.823_824delAT).
Protein change: p.Ile275fs; shifts the reading frame from isoleucine 275.
Molecular consequence: frameshift variant.
Genome position (GRCh38, 1-based): chr17:61,808,561-61,808,562, AT deleted on the plus strand (AT on the coding strand, the reverse complement: BRIP1 is on the minus strand); deleting any 2 consecutive bases within chr17:61,808,561-61,808,563 gives the same sequence; the c. name uses the placement nearest the transcript's 3' end. VCF-style (leftmost placement, unchanged base first): chr17-61808560-AAT-A. GRCh37 (hg19) VCF-style: chr17-59885921-AAT-A.
Other names: c.823_824delAT (NM_032043.2); short protein forms I275fs.
Identifiers: ClinVar variation 3993121 (VCV003993121.1).

ClinVar aggregate classification (germline): Pathogenic (1 of 4 stars; one submission).

Conditions:
Hereditary cancer-predisposing syndrome. Also called: Tumor predisposition; Hereditary neoplastic syndrome; Neoplastic Syndromes, Hereditary; Hereditary Cancer Syndrome. Identifiers: Orphanet 140162, MedGen C0027672, MeSH D009386, MONDO:0015356.

Submission:

Ambry Genetics
Classification: Pathogenic for Hereditary cancer-predisposing syndrome. Last evaluated: 2025-03-25. Review status: criteria provided, single submitter. Criteria: Ambry Variant Classification Scheme 2023. Collection method: clinical testing. Allele origin: germline.
Comment: The c.823_824delAT pathogenic mutation, located in coding exon 6 of the BRIP1 gene, results from a deletion of two nucleotides at nucleotide positions 823 to 824, causing a translational frameshift with a predicted alternate stop codon (p.I275Sfs*12). This variant is considered to be rare based on population cohorts in the Genome Aggregation Database (gnomAD). This alteration is expected to result in loss of function by premature protein truncation or nonsense-mediated mRNA decay. As such, this alteration is interpreted as a disease-causing mutation.